The following is an entry in ClinVar:

ClinVar aggregate classification (germline): Likely pathogenic (1 of 4 stars; one submission).

Conditions:
Menkes kinky-hair syndrome (MNK). Also called: Copper transport disease; Classic Menkes Disease; Menkes Disease. Identifiers: Orphanet 565, MedGen C0022716, MONDO:0010651, OMIM 309400.

Submission:

Myriad Genetics, Inc.
Classification: Likely pathogenic for Menkes kinky-hair syndrome. Last evaluated: 2022-03-30. Review status: criteria provided, single submitter. Criteria: Myriad Autosomal Dominant, Autosomal Recessive and X-Linked Classification Criteria (2023). Collection method: clinical testing. Allele origin: unknown.
Comment: NM_000052.5(ATP7A):c.1077delC(S360Afs*9) is expected to be pathogenic in the context of ATP7A-related disorders. This variant is predicted to lead to an abnormal or absent protein product due to the creation of a premature termination codon in ATP7A, a gene where loss-of-function variants are known to be pathogenic. Please note: this variant was assessed in the context of healthy population screening.

NM_000052.7(ATP7A):c.1077del (p.Ser360fs)

Gene: ATP7A (ATPase copper transporting alpha; plus strand). Cytogenetic location: Xq21.1.
Variant type: Deletion.
Coding change: c.1077del on transcript NM_000052.7 (MANE Select); coding-DNA position 1077, one base deleted (C; older notation c.1077delC).
Protein change: p.Ser360fs; shifts the reading frame from serine 360.
Molecular consequence: frameshift variant.
Genome position (GRCh38, 1-based): chrX:77,989,699, C deleted; the last of 2 consecutive C bases (chrX:77,989,698-77,989,699); deleting either gives the same sequence. VCF-style (leftmost placement, unchanged base first): chrX-77989697-TC-T. GRCh37 (hg19) VCF-style: chrX-77245193-TC-T.
Other names: c.1077del, p.Ser360fs (NM_001282224.2); short protein forms S360fs.
Identifiers: ClinVar variation 1725671 (VCV001725671.3), dbSNP rs2522294546, ClinGen allele CA2580101470.